The following is an entry in ClinVar:

ClinVar aggregate classification (germline): Conflicting classifications of pathogenicity. Review status: criteria provided, conflicting classifications (1 of 4 stars). 6 submissions from 6 submitters: Uncertain significance (3); Likely benign (1). 2 of the submissions do not count toward it. Last evaluated 2026-02-03.

Conditions:
Inborn genetic diseases. Identifiers: MedGen C0950123, MeSH D030342.
Hereditary spastic paraplegia 3A (SPG3A). Also called: SPASTIC PARAPLEGIA 3, AUTOSOMAL DOMINANT; FAMILIAL SPASTIC PARAPLEGIA, AUTOSOMAL DOMINANT, 1; SPG3; STRUMPELL DISEASE; Spastic Paraplegia 3A; Spastic paraplegia 3A, autosomal dominant. Identifiers: Orphanet 100984, MedGen C2931355, MONDO:0008437, OMIM 182600.
Neuropathy, hereditary sensory, type 1D. Identifiers: Orphanet 36386, MedGen C3150972, MONDO:0013381, OMIM 613708.

Allele frequency attached by ClinVar (database versions not stated): TOPMed 0.00005; ESP Exome Variant Server 0.00008; ExAC 0.00009.
gnomAD v4.1: 103 of 1,614,064 alleles (0.0064%); highest among the groups gnomAD compares: Non-Finnish European, 0.0085%; no homozygotes.

Submissions (6):

GeneDx
Classification: Uncertain significance. Last evaluated: 2026-02-03. Review status: criteria provided, single submitter. Criteria: GeneDx Variant Classification Process June 2021. Collection method: clinical testing. Allele origin: germline. Affected: yes.
Comment: Identified in a patient with hereditary sensory neuropathy type I in published literature; however, in vitro studies demonstrated no significant change in GTPase activity compared to control (PMID: 21194679); In silico analysis suggests that this missense variant does not alter protein structure/function; This variant is associated with the following publications: (PMID: 23334294, 21194679)

Labcorp Genetics (formerly Invitae), Labcorp
Classification: Uncertain significance for Hereditary spastic paraplegia 3A. Last evaluated: 2025-12-21. Review status: criteria provided, single submitter. Criteria: Invitae Variant Classification Sherloc (09022015). Collection method: clinical testing. Allele origin: germline.
Comment: This sequence change replaces glutamic acid, which is acidic and polar, with glutamine, which is neutral and polar, at codon 66 of the ATL1 protein (p.Glu66Gln). This variant is present in population databases (rs200314808, gnomAD 0.01%). This missense change has been observed in individual(s) with hereditary sensory neuropathy, type 1 (PMID: 21194679). ClinVar contains an entry for this variant (Variation ID: 30580). Invitae Evidence Modeling of protein sequence and biophysical properties (such as structural, functional, and spatial information, amino acid conservation, physicochemical variation, residue mobility, and thermodynamic stability) has been performed for this missense variant. However, the output from this modeling did not meet the statistical confidence thresholds required to predict the impact of this variant on ATL1 protein function. Experimental studies have shown that this missense change does not substantially affect ATL1 function (PMID: 21194679). In summary, the available evidence is currently insufficient to determine the role of this variant in disease. Therefore, it has been classified as a Variant of Uncertain Significance.

Ambry Genetics
Classification: Likely benign for Inborn genetic diseases. Last evaluated: 2022-08-23. Review status: criteria provided, single submitter. Criteria: Ambry Variant Classification Scheme 2023. Collection method: clinical testing. Allele origin: germline.

Illumina Laboratory Services, Illumina
Classification: Uncertain significance for Hereditary spastic paraplegia 3A. Last evaluated: 2017-04-27. Review status: criteria provided, single submitter. Criteria: ICSL Variant Classification Criteria 13 December 2019. Collection method: clinical testing. Allele origin: germline.
Comment: This variant was observed as part of a predisposition screen in an ostensibly healthy population. A literature search was performed for the gene, cDNA change, and amino acid change (where applicable). Publications were found based on this search. However, the evidence from the literature, in combination with allele frequency data from public databases where available, was not sufficient to rule this variant in or out of causing disease. Therefore, this variant is classified as a variant of unknown significance.

Inherited Neuropathy Consortium Ii, University Of Miami
Classification: Uncertain significance for Hereditary spastic paraplegia 3A. Last evaluated: 2016-01-06. Review status: no assertion criteria provided. Collection method: literature only. Allele origin: germline. Affected: yes. Not counted in ClinVar's aggregate classification.

OMIM
Classification: Pathogenic for NEUROPATHY, HEREDITARY SENSORY, TYPE ID. Last evaluated: 2011-01-07. Review status: no assertion criteria provided. Collection method: literature only. Allele origin: germline. Not counted in ClinVar's aggregate classification.

Literature cited by the submitters: PubMed 21194679 (cited by 3 submitters); PubMed 23664116 (cited by Inherited Neuropathy Consortium Ii, University Of Miami).

NM_015915.5(ATL1):c.196G>C (p.Glu66Gln)

Gene: ATL1 (atlastin GTPase 1; plus strand). Cytogenetic location: 14q22.1.
Variant type: single nucleotide variant.
Coding change: c.196G>C on transcript NM_015915.5 (MANE Select); coding-DNA position 196, G replaced by C.
Protein change: p.Glu66Gln; replaces glutamic acid 66 with glutamine.
Molecular consequence: missense variant.
Genome position (GRCh38, 1-based): chr14:50,587,992, G>C. VCF-style: chr14-50587992-G-C. GRCh37 (hg19) VCF-style: chr14-51054710-G-C.
Other names: c.196G>C, p.Glu66Gln (NM_001127713.1, NM_181598.4); short protein forms E66Q.
Identifiers: ClinVar variation 30580 (VCV000030580.17), dbSNP rs200314808, ClinGen allele CA129352.